The following is an entry in ClinVar:

NM_014915.3(ANKRD26):c.1636G>T (p.Val546Phe)

Gene: ANKRD26 (ankyrin repeat domain 26; minus strand). Cytogenetic location: 10p12.1.
Variant type: single nucleotide variant.
Coding change: c.1636G>T on transcript NM_014915.3 (MANE Select); coding-DNA position 1636, G replaced by T.
Protein change: p.Val546Phe; replaces valine 546 with phenylalanine.
Molecular consequence: missense variant.
Genome position (GRCh38, 1-based): chr10:27,048,979, C>A on the plus strand (G>T on the coding strand, the complement: ANKRD26 is on the minus strand). VCF-style: chr10-27048979-C-A. GRCh37 (hg19) VCF-style: chr10-27337908-C-A.
Other names: c.1636G>T, p.Val546Phe (NM_001256053.2); short protein forms V546F.
Identifiers: ClinVar variation 4580086 (VCV004580086.1).

ClinVar aggregate classification (germline): Uncertain significance (1 of 4 stars; one submission).

Conditions:
Inborn genetic diseases. Identifiers: MedGen C0950123, MeSH D030342.

Submission:

Ambry Genetics
Classification: Uncertain significance for Inborn genetic diseases. Last evaluated: 2025-11-20. Review status: criteria provided, single submitter. Criteria: Ambry Variant Classification Scheme 2023. Collection method: clinical testing. Allele origin: germline.
Comment: The p.V546F variant (also known as c.1636G>T) is located in coding exon 17 of the ANKRD26 gene. The valine at codon 546 is replaced by phenylalanine, an amino acid with highly similar properties. This change occurs in the first base pair of coding exon 17. This amino acid position is conserved. In addition, this alteration is predicted to be tolerated by in silico analysis. Based on the available evidence, the clinical significance of this variant remains unclear.